The following is an entry in ClinVar:

NM_001242882.2(NAXD):c.650G>C (p.Ser217Thr)

Gene: NAXD (NAD(P)HX dehydratase; plus strand). Cytogenetic location: 13q34.
Variant type: single nucleotide variant.
Coding change: c.650G>C on transcript NM_001242882.2 (MANE Select); coding-DNA position 650, G replaced by C.
Protein change: p.Ser217Thr; replaces serine 217 with threonine.
Molecular consequence: missense variant. On other transcripts: non-coding transcript variant (2).
Genome position (GRCh38, 1-based): chr13:110,635,520, G>C. VCF-style: chr13-110635520-G-C. GRCh37 (hg19) VCF-style: chr13-111287867-G-C.
Other names: c.704G>C, p.Ser235Thr (NM_001242881.2, NM_018210.4); c.374G>C, p.Ser125Thr (NM_001242883.2); short protein forms S235T, S125T, S217T.
Identifiers: ClinVar variation 1966571 (VCV001966571.5), dbSNP rs1196890554, ClinGen allele CA388734624.

ClinVar aggregate classification (germline): Uncertain significance (1 of 4 stars; one submission).

Allele frequency attached by ClinVar (database versions not stated): gnomAD 0.00003.
gnomAD v4.1: 4 of 1,614,064 alleles (0.00025%); highest among the groups gnomAD compares: African/African-American, 0.0053%; no homozygotes.

Submission:

Labcorp Genetics (formerly Invitae), Labcorp
Classification: Uncertain significance. Last evaluated: 2022-05-27. Review status: criteria provided, single submitter. Criteria: Invitae Variant Classification Sherloc (09022015). Collection method: clinical testing. Allele origin: germline.
Comment: This sequence change replaces serine, which is neutral and polar, with threonine, which is neutral and polar, at codon 235 of the NAXD protein (p.Ser235Thr). In summary, the available evidence is currently insufficient to determine the role of this variant in disease. Therefore, it has been classified as a Variant of Uncertain Significance. Algorithms developed to predict the effect of missense changes on protein structure and function are either unavailable or do not agree on the potential impact of this missense change (SIFT: "Deleterious"; PolyPhen-2: "Probably Damaging"; Align-GVGD: "Class C0"). This variant has not been reported in the literature in individuals affected with NAXD-related conditions. This variant is present in population databases (no rsID available, gnomAD 0.01%).